The following is an entry in ClinVar:

ClinVar aggregate classification (germline): Uncertain significance (1 of 4 stars; one submission).

Conditions:
Cardiovascular phenotype. Identifiers: MedGen CN230736.

Submission:

Ambry Genetics
Classification: Uncertain significance for Cardiovascular phenotype. Last evaluated: 2025-06-28. Review status: criteria provided, single submitter. Criteria: Ambry Variant Classification Scheme 2023. Collection method: clinical testing. Allele origin: germline.
Comment: The p.D1209N variant (also known as c.3625G>A), located in coding exon 2 of the ZNF469 gene, results from a G to A substitution at nucleotide position 3625. The aspartic acid at codon 1209 is replaced by asparagine, an amino acid with highly similar properties. This amino acid position is conserved. In addition, this alteration is predicted to be tolerated by in silico analysis. Based on the available evidence, the clinical significance of this variant remains unclear.

NM_001127464.1:c.3625G>A

Gene: ZNF469 (zinc finger protein 469; plus strand).
Variant type: single nucleotide variant.
Identifiers: ClinVar variation 4209153 (VCV004209153.1).